The following is an entry in ClinVar:

ClinVar aggregate classification (germline): Conflicting classifications of pathogenicity. Review status: criteria provided, conflicting classifications (1 of 4 stars). 2 submissions from 2 submitters: Likely pathogenic (1); Uncertain significance (1). Last evaluated 2025-11-25.

Conditions:
Charcot-Marie-Tooth disease axonal type 2V. Also called: CHARCOT-MARIE-TOOTH DISEASE, AXONAL, AUTOSOMAL DOMINANT, TYPE 2V; CHARCOT-MARIE-TOOTH NEUROPATHY, TYPE 2V. Identifiers: Orphanet 447964, MedGen C5569050, MONDO:0014665, OMIM 616491.
Mucopolysaccharidosis, MPS-III-B (MPS3B). Also called: N-ACETYL-ALPHA-D-GLUCOSAMINIDASE DEFICIENCY; NAGLU DEFICIENCY; SANFILIPPO SYNDROME B; MPS IIIB (Sanfilippo Syndrome Type B); MPS III B; Mucopolysaccharidosis type IIIB (Sanfilippo B). Identifiers: Orphanet 79270, MedGen C0086648, MONDO:0009656, OMIM 252920.

Submissions (2):

Labcorp Genetics (formerly Invitae), Labcorp
Classification: Likely pathogenic for Charcot-Marie-Tooth disease axonal type 2V; Mucopolysaccharidosis, MPS-III-B. Last evaluated: 2025-11-25. Review status: criteria provided, single submitter. Criteria: Invitae Variant Classification Sherloc (09022015). Collection method: clinical testing. Allele origin: germline.
Comment: This sequence change replaces leucine, which is neutral and non-polar, with proline, which is neutral and non-polar, at codon 498 of the NAGLU protein (p.Leu498Pro). This variant is not present in population databases (gnomAD no frequency). This missense change has been observed in individual(s) with clinical features of mucopolysaccharidosis type III (PMID: 30070758). ClinVar contains an entry for this variant (Variation ID: 2501060). Invitae Evidence Modeling of protein sequence and biophysical properties (such as structural, functional, and spatial information, amino acid conservation, physicochemical variation, residue mobility, and thermodynamic stability) indicates that this missense variant is expected to disrupt NAGLU protein function with a positive predictive value of 95%. In summary, the currently available evidence indicates that the variant is pathogenic, but additional data are needed to prove that conclusively. Therefore, this variant has been classified as Likely Pathogenic.

Women's Health and Genetics/Laboratory Corporation of America, LabCorp
Classification: Uncertain significance. Last evaluated: 2023-03-31. Review status: criteria provided, single submitter. Criteria: LabCorp Variant Classification Summary - May 2015. Collection method: clinical testing. Allele origin: germline.
Comment: Variant summary: NAGLU c.1493T>C (p.Leu498Pro) results in a non-conservative amino acid change located in the Alpha-N-acetylglucosaminidase, C-terminal domain (IPR024732) of the encoded protein sequence. Four of five in-silico tools predict a damaging effect of the variant on protein function. The variant was absent in 231378 control chromosomes (gnomAD). The available data on variant occurrences in the general population are insufficient to allow any conclusion about variant significance. c.1493T>C has been reported in the literature in at least one compound heterozygous individual affected with Mucopolysaccharidosis Type IIIB (Sanfilippo Syndrome B, Lin_2018). These data do not allow any conclusion about variant significance. To our knowledge, no experimental evidence demonstrating an impact on protein function has been reported. No clinical diagnostic laboratories have submitted clinical-significance assessments for this variant to ClinVar after 2014. Based on the evidence outlined above, the variant was classified as uncertain significance.

Literature cited by the submitters: PubMed 30070758 (cited by Labcorp Genetics (formerly Invitae), Labcorp and Women's Health and Genetics/Laboratory Corporation of America, LabCorp).

NM_000263.4(NAGLU):c.1493T>C (p.Leu498Pro)

Gene: NAGLU (N-acetyl-alpha-glucosaminidase; plus strand). Cytogenetic location: 17q21.2.
Variant type: single nucleotide variant.
Coding change: c.1493T>C on transcript NM_000263.4 (MANE Select); coding-DNA position 1493, T replaced by C.
Protein change: p.Leu498Pro; replaces leucine 498 with proline.
Molecular consequence: missense variant.
Genome position (GRCh38, 1-based): chr17:42,543,499, T>C. VCF-style: chr17-42543499-T-C. GRCh37 (hg19) VCF-style: chr17-40695517-T-C.
Other names: short protein forms L498P.
Identifiers: ClinVar variation 2501060 (VCV002501060.2), dbSNP rs2510659687, ClinGen allele CA399603996.